The following is an entry in ClinVar:

ClinVar aggregate classification (germline): Pathogenic (1 of 4 stars; one submission).

Conditions:
Epidermolysis bullosa simplex with nail dystrophy (EBS5D). Identifiers: MedGen C4225309, MONDO:0014661, OMIM 616487.
Epidermolysis bullosa simplex 5C, with pyloric atresia (EBS5C). Also called: PLEC-Related Epidermolysis Bullosa with Pyloric Atresia; Epidermolysis bullosa simplex with pyloric atresia; PLEC1-Related Epidermolysis Bullosa with Pyloric Atresia. Identifiers: Orphanet 158684, MedGen C2677349, MONDO:0012807, OMIM 612138.
Autosomal recessive limb-girdle muscular dystrophy type 2Q (LGMDR17). Also called: MUSCULAR DYSTROPHY, LIMB-GIRDLE, AUTOSOMAL RECESSIVE 17. Identifiers: Orphanet 254361, MedGen C3150989, MONDO:0013390, OMIM 613723.
Epidermolysis bullosa simplex, Ogna type (EBS5A). Also called: Pidermolysis bullosa simplex 5A, Ogna type; EPIDERMOLYSIS BULLOSA SIMPLEX 5A, OGNA TYPE. Identifiers: Orphanet 79401, MedGen C0432317, MONDO:0007555, OMIM 131950.
Epidermolysis bullosa simplex 5B, with muscular dystrophy (EBS5B). Also called: EPIDERMOLYSIS BULLOSA SIMPLEX AND LIMB-GIRDLE MUSCULAR DYSTROPHY; Epidermolysis bullosa simplex with muscular dystrophy. Identifiers: Orphanet 257, MedGen C2931072, MONDO:0009181, OMIM 226670.

Allele frequency attached by ClinVar (database versions not stated): TOPMed below 0.00001; gnomAD exomes 0.00001; ExAC 0.00002.
gnomAD v4.1: 9 of 1,608,248 alleles (0.00056%); no homozygotes.

Submission:

Labcorp Genetics (formerly Invitae), Labcorp
Classification: Pathogenic for Autosomal recessive limb-girdle muscular dystrophy type 2Q; Epidermolysis bullosa simplex, Ogna type; Epidermolysis bullosa simplex with nail dystrophy; Epidermolysis bullosa simplex 5C, with pyloric atresia; Epidermolysis bullosa simplex 5B, with muscular dystrophy. Last evaluated: 2022-10-27. Review status: criteria provided, single submitter. Criteria: Invitae Variant Classification Sherloc (09022015). Collection method: clinical testing. Allele origin: germline.
Comment: Variants that disrupt the consensus splice site are a relatively common cause of aberrant splicing (PMID: 17576681, 9536098). Algorithms developed to predict the effect of sequence changes on RNA splicing suggest that this variant may disrupt the consensus splice site. For these reasons, this variant has been classified as Pathogenic. This variant disrupts a region of the PLEC protein in which other variant(s) (p.Lys4460*) have been determined to be pathogenic (PMID: 10652002). This suggests that this is a clinically significant region of the protein, and that variants that disrupt it are likely to be disease-causing. This variant has not been reported in the literature in individuals affected with PLEC-related conditions. This variant is present in population databases (rs782284724, gnomAD 0.03%). This sequence change affects a donor splice site in intron 32 of the PLEC gene. While this variant is not anticipated to result in nonsense mediated decay, it likely alters RNA splicing and results in a disrupted protein product.

Literature cited by the submitters: PubMed 17576681; PubMed 9536098; PubMed 10652002.

NM_201384.3(PLEC):c.7425+1G>A

Gene: PLEC (plectin; minus strand). Cytogenetic location: 8q24.3.
Variant type: single nucleotide variant.
Coding change: c.7425+1G>A on transcript NM_201384.3 (MANE Select); the canonical splice donor site of the intron after coding-DNA position 7425, G replaced by A.
Molecular consequence: splice donor variant. On other transcripts: intron variant (1).
Genome position (GRCh38, 1-based): chr8:143,922,503, C>T on the plus strand (G>A on the coding strand, the complement: PLEC is on the minus strand). VCF-style: chr8-143922503-C-T. GRCh37 (hg19) VCF-style: chr8-144996671-C-T.
Other names: c.4126-108G>A (NM_001410941.1); c.7506+1G>A (NM_000445.5); c.7383+1G>A (NM_201378.4); c.7359+1G>A (NM_201379.3); c.7836+1G>A (NM_201380.4); c.7329+1G>A (NM_201381.3); c.7425+1G>A (NM_201382.4); c.7437+1G>A (NM_201383.3).
Identifiers: ClinVar variation 2932647 (VCV002932647.3), dbSNP rs782284724, ClinGen allele CA4925659.
Genomic context (GRCh38, chr8:143,922,503, plus strand): 5'-CATCACCCACCAAAGCAGATCCCCGGGCCCACCCGCCCGTCGCACGTAGAGGGGGCGGTA[C>T]CTCCTCAGACTTGAGCTGCAGCAGTTTGGCCTCCTGTTGGAGCTTCTCCTTCTCACGCTC-3'